The following is an entry in ClinVar:

ClinVar aggregate classification (germline): Benign/Likely benign. Review status: criteria provided, multiple submitters, no conflicts (2 of 4 stars). 3 submissions from 3 submitters: Benign (1); Likely benign (1). 1 of the submissions does not count toward it. Last evaluated 2025-09-25.

Conditions:
STT3B-congenital disorder of glycosylation. Also called: STT3B-CDG; CDG Ix; Congenital disorder of glycosylation type 1x. Identifiers: Orphanet 370924, MedGen C2931007, MONDO:0014271, OMIM 615597.
STT3B-related disorder. Also called: STT3B-related condition.

Allele frequency attached by ClinVar (database versions not stated): gnomAD exomes 0.00009 and 0.00023; ExAC 0.00031; gnomAD 0.00102 and 0.00109; TOPMed 0.00111; ESP Exome Variant Server 0.00131; 1000 Genomes Project 30x 0.00062; 1000 Genomes Project 0.00080.
gnomAD v4.1: 288 of 1,614,140 alleles (0.018%); highest among the groups gnomAD compares: African/African-American, 0.37%; 2 homozygotes.

Submissions (3):

Labcorp Genetics (formerly Invitae), Labcorp
Classification: Benign for STT3B-congenital disorder of glycosylation. Last evaluated: 2025-09-25. Review status: criteria provided, single submitter. Criteria: Invitae Variant Classification Sherloc (09022015). Collection method: clinical testing. Allele origin: germline.

GeneDx
Classification: Likely benign. Last evaluated: 2016-10-06. Review status: criteria provided, single submitter. Criteria: GeneDx Variant Classification (06012015). Collection method: clinical testing. Allele origin: germline. Affected: yes.
Comment: This variant is considered likely benign or benign based on one or more of the following criteria: it is a conservative change, it occurs at a poorly conserved position in the protein, it is predicted to be benign by multiple in silico algorithms, and/or has population frequency not consistent with disease.

PreventionGenetics, part of Exact Sciences
Classification: Likely benign for STT3B-related condition. Last evaluated: 2019-08-13. Review status: no assertion criteria provided. Collection method: clinical testing. Allele origin: germline. Not counted in ClinVar's aggregate classification.
Comment: This variant is classified as likely benign based on ACMG/AMP sequence variant interpretation guidelines (Richards et al. 2015 PMID: 25741868, with internal and published modifications).

NM_178862.3(STT3B):c.2322A>G (p.Ala774=)

Gene: STT3B (STT3 oligosaccharyltransferase complex catalytic subunit B; plus strand). Cytogenetic location: 3p23.
Variant type: single nucleotide variant.
Coding change: c.2322A>G on transcript NM_178862.3 (MANE Select); coding-DNA position 2322, A replaced by G.
Protein change: p.Ala774=; no amino-acid change (alanine 774 retained).
Molecular consequence: synonymous variant.
Genome position (GRCh38, 1-based): chr3:31,633,069, A>G. VCF-style: chr3-31633069-A-G. GRCh37 (hg19) VCF-style: chr3-31674561-A-G.
Identifiers: ClinVar variation 389417 (VCV000389417.12), dbSNP rs140420950, ClinGen allele CA2295389.